The following is an entry in ClinVar:

NM_030665.4(RAI1):c.2073C>T (p.Ser691=)

Gene: RAI1 (retinoic acid induced 1; plus strand). Cytogenetic location: 17p11.2.
Variant type: single nucleotide variant.
Coding change: c.2073C>T on transcript NM_030665.4 (MANE Select); coding-DNA position 2073, C replaced by T.
Protein change: p.Ser691=; no amino-acid change (serine 691 retained).
Molecular consequence: synonymous variant.
Genome position (GRCh38, 1-based): chr17:17,795,021, C>T. VCF-style: chr17-17795021-C-T. GRCh37 (hg19) VCF-style: chr17-17698335-C-T.
Other names: c.2073C>T (NM_030665.3).
Identifiers: ClinVar variation 2117549 (VCV002117549.5), dbSNP rs1184975546, ClinGen allele CA498423478.

ClinVar aggregate classification (germline): Likely benign. Review status: criteria provided, single submitter (1 of 4 stars). 2 submissions from 2 submitters: Likely benign (1). 1 of the submissions does not count toward it. Last evaluated 2024-08-29.

Conditions:
RAI1-related disorder. Also called: RAI1-related condition.

gnomAD v4.1: 22 of 1,614,122 alleles (0.0014%); highest among the groups gnomAD compares: African/African-American, 0.0027%; no homozygotes.

Submissions (2):

Labcorp Genetics (formerly Invitae), Labcorp
Classification: Likely benign. Last evaluated: 2024-08-29. Review status: criteria provided, single submitter. Criteria: Invitae Variant Classification Sherloc (09022015). Collection method: clinical testing. Allele origin: germline.

PreventionGenetics, part of Exact Sciences
Classification: Likely benign for RAI1-related condition. Last evaluated: 2024-06-28. Review status: no assertion criteria provided. Collection method: clinical testing. Allele origin: germline. Not counted in ClinVar's aggregate classification.
Comment: This variant is classified as likely benign based on ACMG/AMP sequence variant interpretation guidelines (Richards et al. 2015 PMID: 25741868, with internal and published modifications).